The following is an entry in ClinVar:

ClinVar aggregate classification (germline): Likely benign (0 of 4 stars; one submission).

Conditions:
IFT74-related disorder. Also called: IFT74-related condition; IFT74-Related Disorders.

Submission:

PreventionGenetics, part of Exact Sciences
Classification: Likely benign for IFT74-related condition. Last evaluated: 2023-03-17. Review status: no assertion criteria provided. Collection method: clinical testing. Allele origin: germline.
Comment: This variant is classified as likely benign based on ACMG/AMP sequence variant interpretation guidelines (Richards et al. 2015 PMID: 25741868, with internal and published modifications).

NM_025103.4(IFT74):c.727-10_727-9dup

Gene: IFT74 (intraflagellar transport 74; plus strand). Cytogenetic location: 9p21.2.
Variant type: Duplication.
Coding change: c.727-10_727-9dup on transcript NM_025103.4 (MANE Select); 10 bases into the intron before coding-DNA position 727 through 9 bases into the intron before coding-DNA position 727, 2 bases duplicated (TT; older notation c.727-10_727-9dupTT).
Molecular consequence: intron variant.
Genome position (GRCh38, 1-based): chr9:27,011,896-27,011,897, TT duplicated; duplicating any 2 consecutive bases within chr9:27,011,888-27,011,897 gives the same sequence; the c. name uses the placement nearest the transcript's 3' end. VCF-style (leftmost placement, unchanged base first): chr9-27011887-C-CTT. GRCh37 (hg19) VCF-style: chr9-27011885-C-CTT.
Other names: c.727-10_727-9dup (NM_001099223.3, NM_001099222.3, NM_001349928.2 and 1 more transcripts).
Identifiers: ClinVar variation 3350851 (VCV003350851.1).
Genomic context (GRCh38, chr9:27,011,887, plus strand): 5'-TCCCAGCTCCCTCCCCCCACTACAACAAATTATTCTTAATGTAATTTGGATTTATGTTTG[C>CTT]TTTTTTTTTTCCACTTAGGAATTAGATACACTTCAACAACAATTGGATTCACAGAACATG-3'